The following is an entry in ClinVar:

NM_006912.6(RIT1):c.229G>A (p.Ala77Thr)

Gene: RIT1 (Ras like without CAAX 1; minus strand). Cytogenetic location: 1q22.
Variant type: single nucleotide variant.
Coding change: c.229G>A on transcript NM_006912.6 (MANE Select); coding-DNA position 229, G replaced by A.
Protein change: p.Ala77Thr; replaces alanine 77 with threonine.
Molecular consequence: missense variant.
Genome position (GRCh38, 1-based): chr1:155,904,739, C>T on the plus strand (G>A on the coding strand, the complement: RIT1 is on the minus strand). VCF-style: chr1-155904739-C-T. GRCh37 (hg19) VCF-style: chr1-155874530-C-T.
Other names: p.Ala77Thr; c.229G>A, p.Ala77Thr (LRG_1372t1); c.121G>A, p.Ala41Thr (NM_001256820.2); c.280G>A, p.Ala94Thr (NM_001256821.2); short protein forms A77T, A41T, A94T.
Identifiers: ClinVar variation 183403 (VCV000183403.43), dbSNP rs869025191, ClinGen allele CA353870.

ClinVar aggregate classification (germline): Pathogenic/Likely pathogenic. Review status: criteria provided, multiple submitters, no conflicts (2 of 4 stars). 18 submissions from 18 submitters: Pathogenic (11); Likely pathogenic (2). 5 of the submissions do not count toward it. Last evaluated 2026-01-30.

Conditions:
RIT1-related disorder. Also called: RIT1-related condition.
Noonan syndrome 8 (NS8). Identifiers: Orphanet 648, MedGen C3809233, MONDO:0014143, OMIM 615355.
RASopathy. Also called: rasopathies; Noonan spectrum disorder. Identifiers: Orphanet 536391, MedGen C5555857, MONDO:0021060.
Noonan syndrome (NS). Also called: Noonan's syndrome. Identifiers: Orphanet 648, MedGen C0028326, MeSH D009634, MONDO:0018997. Disease mechanism: gain of function.
Noonan syndrome 1 (NS1). Also called: FEMALE PSEUDO-TURNER SYNDROME; PTPN11-Related Noonan Syndrome; TURNER PHENOTYPE WITH NORMAL KARYOTYPE. Identifiers: Orphanet 648, MedGen C4551602, MONDO:0008104, OMIM 163950. Disease mechanism: gain of function.

Submissions (18):

3billion
Classification: Pathogenic for Noonan syndrome 8. Last evaluated: 2026-01-30. Review status: criteria provided, single submitter. Criteria: ACMG Guidelines, 2015. Collection method: clinical testing. Allele origin: germline. Affected: yes.
Comment: The variant is not observed in the gnomAD v4.1.0 dataset. Predicted Consequence/Location: Missense variant In silico tool predictions suggest damaging effect of the variant on gene or gene product [REVEL: 0.86 (>=0.6, sensitivity 0.68 and specificity 0.92); 3Cnet: 0.97 (> 0.75, sensitivity 0.96 and precision 0.92)]. The same nucleotide change resulting in the same amino acid change has been previously reported as pathogenic/likely pathogenic with strong evidence (ClinVar ID: VCV000183403 /PMID: 26714497 /3billion dataset). The variant has been previously reported as de novo in a similarly affected individual (PMID: 26714497). Different missense changes at the same codon (p.Ala77Gly, p.Ala77Pro, p.Ala77Ser) have been reported as pathogenic/likely pathogenic with strong evidence (ClinVar ID: VCV000228289, VCV000561621, VCV000850519 /PMID: 25049390, 26714497, 39363392 /3billion dataset). Therefore, this variant is classified as Pathogenic according to the recommendation of ACMG/AMP guideline.

Institute of Medical Genetics and Applied Genomics, University Hospital Tübingen
Classification: Pathogenic for Noonan syndrome. Last evaluated: 2025-12-22. Review status: criteria provided, single submitter. Criteria: ACMG Guidelines, 2015. Collection method: clinical testing. Allele origin: de novo. Inheritance: Autosomal dominant inheritance. Affected: yes.

Dasa
Classification: Pathogenic. Last evaluated: 2025-11-14. Review status: criteria provided, single submitter. Criteria: DASA Assertion Criteria. Collection method: clinical testing. Allele origin: germline.
Comment: NM_006912.6(RIT1):c.229G>A (p.Ala77Thr) is a missense variant that results in the substitution of alanine with threonine. The affected residue or protein region has prior evidence supporting clinical relevance. De novo occurrence has been reported in an individual with related phenotype. Functional evidence supports a deleterious effect on the gene or gene product (PMID: 26757980; PMID: 35397126; PMID: 38463782). This variant has been recurrently observed in individuals with related phenotype (PMID: 26757980; PMID: 35397126; PMID: 38463782). Multiple computational predictions support a deleterious effect on the gene or gene product. The variant is present at low frequency in population datasets. Based on the available data, this variant is classified as pathogenic.

Labcorp Genetics (formerly Invitae), Labcorp
Classification: Pathogenic for Noonan syndrome 8. Last evaluated: 2025-02-13. Review status: criteria provided, single submitter. Criteria: Invitae Variant Classification Sherloc (09022015). Collection method: clinical testing. Allele origin: germline.
Comment: This sequence change replaces alanine, which is neutral and non-polar, with threonine, which is neutral and polar, at codon 77 of the RIT1 protein (p.Ala77Thr). This variant is not present in population databases (gnomAD no frequency). This missense change has been observed in individual(s) with Noonan syndrome (PMID: 26714497, 26757980, 27101134, 29402968). In at least one individual the variant was observed to be de novo. ClinVar contains an entry for this variant (Variation ID: 183403). Invitae Evidence Modeling incorporating data from in vitro experimental studies (internal data) indicates that this missense variant is expected to disrupt RIT1 function with a positive predictive value of 95%. Experimental studies have shown that this missense change affects RIT1 function (PMID: 26714497). For these reasons, this variant has been classified as Pathogenic.

CeGaT Center for Human Genetics Tuebingen
Classification: Pathogenic. Last evaluated: 2024-11-01. Review status: criteria provided, single submitter. Criteria: CeGaT Center For Human Genetics Tuebingen Variant Classification Criteria Version 2. Collection method: clinical testing. Allele origin: germline. Affected: yes. Observed: 1 variant allele.
Comment: RIT1: PS2, PM2, PM5, PS4:Moderate, PP3, PS3:Supporting

Department of Human Genetics, Hannover Medical School
Classification: Pathogenic for Noonan syndrome 8. Last evaluated: 2024-06-20. Review status: criteria provided, single submitter. Criteria: ACMG Guidelines, 2015. Collection method: clinical testing. Allele origin: germline. Affected: yes.

Mayo Clinic Laboratories, Mayo Clinic
Classification: Pathogenic. Last evaluated: 2024-03-07. Review status: criteria provided, single submitter. Criteria: ACMG Guidelines, 2015. Collection method: clinical testing. Allele origin: germline. Observed: 1 variant allele.
Comment: PP3, PM2, PM6_strong, PS3_supporting, PS4

Genome-Nilou Lab
Classification: Likely pathogenic for Noonan syndrome 8. Last evaluated: 2023-04-11. Review status: criteria provided, single submitter. Criteria: ACMG Guidelines, 2015. Collection method: clinical testing. Allele origin: germline. Affected: no.

Women's Health and Genetics/Laboratory Corporation of America, LabCorp
Classification: Pathogenic for RASopathy. Last evaluated: 2023-01-16. Review status: criteria provided, single submitter. Criteria: LabCorp Variant Classification Summary - May 2015. Collection method: clinical testing. Allele origin: germline.
Comment: Variant summary: RIT1 c.229G>A (p.Ala77Thr) results in a non-conservative amino acid change located in the Small GTP-binding protein domain (IPR005225) of the encoded protein sequence. Five of five in-silico tools predict a damaging effect of the variant on protein function. The variant was absent in 251384 control chromosomes. c.229G>A has been reported in the literature as a de-novo occurrence in multiple individuals affected with Noonan Syndrome (example, PMID: 26757980, 26714497). These data indicate that the variant is likely to be associated with disease. At least one publication reports experimental evidence evaluating an impact on protein function (example, PMID: 26714497). The most pronounced variant effect results in significantly enhanced ELK transactivation, confirming the gain-of function mechanism of disease. Five clinical diagnostic laboratories have submitted clinical-significance assessments for this variant to ClinVar after 2014 without evidence for independent evaluation. All laboratories classified the variant as pathogenic/likely pathogenic. Based on the evidence outlined above, the variant was classified as pathogenic.

Blueprint Genetics
Classification: Pathogenic for RIT1-related disorders. Last evaluated: 2022-06-13. Review status: criteria provided, single submitter. Criteria: ACMG Guidelines, 2015. Collection method: clinical testing. Allele origin: germline. Affected: yes. Observed: 2 variant alleles.

GeneDx
Classification: Pathogenic. Last evaluated: 2022-04-20. Review status: criteria provided, single submitter. Criteria: GeneDx Variant Classification Process June 2021. Collection method: clinical testing. Allele origin: germline. Affected: yes.
Comment: Published functional studies demonstrate that A77T acts as a gain-of-function variant, causing increased Elk1 activation and enhanced cJun transcription (Yaoita et al., 2016); Not observed in large population cohorts (gnomAD); In silico analysis supports that this missense variant has a deleterious effect on protein structure/function; Reported in ClinVar as pathogenic/likely pathogenic (ClinVar Variant ID# 183403; ClinVar); This variant is associated with the following publications: (PMID: 27109146, 27101134, 26714497, 26757980, 30692697, 29402968, 33726816)

Institute of Human Genetics Munich, TUM University Hospital
Classification: Likely pathogenic for Noonan syndrome 8. Last evaluated: 2017-10-27. Review status: criteria provided, single submitter. Criteria: Classification criteria August 2017. Collection method: clinical testing. Allele origin: germline. Inheritance: Autosomal dominant inheritance. Affected: yes. Observed: 1 heterozygote.

Institute for Genomic Statistics and Bioinformatics, University Hospital Bonn
Classification: Pathogenic for Noonan syndrome 1. Review status: criteria provided, single submitter. Criteria: ACMG Guidelines, 2015. Collection method: clinical testing. Allele origin: unknown. Affected: yes. Observed: 1 variant allele.

PreventionGenetics, part of Exact Sciences
Classification: Pathogenic for RIT1-related condition. Last evaluated: 2024-08-24. Review status: no assertion criteria provided. Collection method: clinical testing. Allele origin: germline. Not counted in ClinVar's aggregate classification.
Comment: The RIT1 c.280G>A variant is predicted to result in the amino acid substitution p.Ala94Thr. This variant has also been referred to as p.Ala77Thr in literature. This variant has been reported in multiple individuals with Noonan syndrome; three times as a de novo event and once transmitted from an affected parent (Yaoita et al. 2016. PubMed: 26714497; Cavé et al 2016. PubMed ID: 26757980; Kouz et al 2016. PubMed ID: 27101134). Different missense variants that affect the same amino acid (p.Ala94Pro, p.Ala94Ser) have also been reported to be causative for Noonan spectrum disorders (Chen et al. 2014. PubMed ID: 25049390; Yaoita. 2016. PubMed ID: 26714497). In addition, it has been identified in multiple individuals tested for Noonan spectrum disorders in our internal database. This variant is interpreted as pathogenic. This variant has not been reported in a large population database, indicating this variant is rare. This variant is interpreted as pathogenic.

Biochemical Molecular Genetic Laboratory, King Abdulaziz Medical City
Classification: Pathogenic for Noonan syndrome 8. Last evaluated: 2020-02-05. Review status: no assertion criteria provided. Collection method: clinical testing. Allele origin: germline. Affected: yes. Not counted in ClinVar's aggregate classification.

Baylor Genetics
Classification: Pathogenic for Noonan syndrome 8. Last evaluated: 2018-11-18. Review status: no assertion criteria provided. Collection method: clinical testing. Allele origin: germline. Affected: yes. Not counted in ClinVar's aggregate classification.

Molecular Genetics, Centre for Human Genetics
Classification: Pathogenic for Noonan syndrome 1. Review status: no assertion criteria provided. Collection method: clinical testing. Allele origin: de novo. Inheritance: Autosomal dominant inheritance. Affected: yes. Observed: 1 variant allele. Not counted in ClinVar's aggregate classification.

Service de Génétique Moléculaire, Hôpital Robert Debré
Classification: Likely pathogenic for Noonan's syndrome. Review status: no assertion criteria provided. Criteria: clinical testing. Collection method: clinical testing. Allele origin: de novo, unknown. Affected: yes. Observed: 2 variant alleles. Not counted in ClinVar's aggregate classification.

Literature cited by the submitters: PubMed 26714497 (cited by 4 submitters); PubMed 29493581 (cited by 3billion); PubMed 25049390 (cited by 3billion); PubMed 26757980 (cited by 3 submitters); PubMed 35397126 (cited by Dasa and Mayo Clinic Laboratories, Mayo Clinic); PubMed 38463782 (cited by Dasa); PubMed 27101134 (cited by Labcorp Genetics (formerly Invitae), Labcorp); PubMed 29402968 (cited by Labcorp Genetics (formerly Invitae), Labcorp); PubMed 30692697 (cited by Mayo Clinic Laboratories, Mayo Clinic); PubMed 33057194 (cited by Mayo Clinic Laboratories, Mayo Clinic); PubMed 33726816 (cited by Mayo Clinic Laboratories, Mayo Clinic); PubMed 34358384 (cited by Mayo Clinic Laboratories, Mayo Clinic); PubMed 35606495 (cited by Mayo Clinic Laboratories, Mayo Clinic); PubMed 35979676 (cited by Mayo Clinic Laboratories, Mayo Clinic); PubMed 35982159 (cited by Mayo Clinic Laboratories, Mayo Clinic); PubMed 36252119 (cited by Mayo Clinic Laboratories, Mayo Clinic).